The following is an entry in ClinVar:

NM_000521.4(HEXB):c.1340C>T (p.Ala447Val)

Gene: HEXB (hexosaminidase subunit beta; plus strand). Cytogenetic location: 5q13.3.
Variant type: single nucleotide variant.
Coding change: c.1340C>T on transcript NM_000521.4 (MANE Select); coding-DNA position 1340, C replaced by T.
Protein change: p.Ala447Val; replaces alanine 447 with valine.
Molecular consequence: missense variant.
Genome position (GRCh38, 1-based): chr5:74,718,894, C>T. VCF-style: chr5-74718894-C-T. GRCh37 (hg19) VCF-style: chr5-74014719-C-T.
Other names: c.665C>T, p.Ala222Val (NM_001292004.2); short protein forms A222V, A447V.
Identifiers: ClinVar variation 3363218 (VCV003363218.1).

ClinVar aggregate classification (germline): Uncertain significance (1 of 4 stars; one submission).

gnomAD v4.1: 2 of 1,613,788 alleles (0.00012%); highest among the groups gnomAD compares: South Asian, 0.0011%; no homozygotes.

Submission:

GeneDx
Classification: Uncertain significance. Last evaluated: 2023-10-23. Review status: criteria provided, single submitter. Criteria: GeneDx Variant Classification Process June 2021. Collection method: clinical testing. Allele origin: germline. Affected: yes.
Comment: Not observed at significant frequency in large population cohorts (gnomAD); In silico analysis supports that this missense variant has a deleterious effect on protein structure/function; Has not been previously published as pathogenic or benign to our knowledge